The following is an entry in ClinVar:

ClinVar aggregate classification (germline): Uncertain significance (1 of 4 stars; one submission).

Submission:

GeneDx
Classification: Uncertain significance. Last evaluated: 2024-12-21. Review status: criteria provided, single submitter. Criteria: GeneDx Variant Classification Process June 2021. Collection method: clinical testing. Allele origin: germline. Affected: yes.
Comment: Not observed at significant frequency in large population cohorts (gnomAD); In silico analysis supports that this missense variant has a deleterious effect on protein structure/function; Has not been previously published as pathogenic or benign to our knowledge

NM_001348323.3(TRIP12):c.4079G>A (p.Gly1360Glu)

Gene: TRIP12 (thyroid hormone receptor interactor 12; minus strand). Cytogenetic location: 2q36.3.
Variant type: single nucleotide variant.
Coding change: c.4079G>A on transcript NM_001348323.3 (MANE Select); coding-DNA position 4079, G replaced by A.
Protein change: p.Gly1360Glu; replaces glycine 1360 with glutamic acid.
Molecular consequence: missense variant.
Genome position (GRCh38, 1-based): chr2:229,793,035, C>T on the plus strand (G>A on the coding strand, the complement: TRIP12 is on the minus strand). VCF-style: chr2-229793035-C-T. GRCh37 (hg19) VCF-style: chr2-230657751-C-T.
Other names: c.3998G>A, p.Gly1333Glu (NM_001284214.2, NM_001348315.2); c.3953G>A, p.Gly1318Glu (NM_001284215.2, NM_001348316.2); c.3044G>A, p.Gly1015Glu (NM_001284216.2); c.3938G>A, p.Gly1313Glu (NM_001348317.1, NM_001348318.2); c.4064G>A, p.Gly1355Glu (NM_001348319.1, NM_001348320.2); c.4067G>A, p.Gly1356Glu (NM_001348321.1); c.4079G>A, p.Gly1360Glu (NM_001348322.1, NM_001348324.2, NM_001348325.2 and 2 more transcripts); c.4082G>A, p.Gly1361Glu (NM_001348328.1, NM_001348329.2, NM_001348330.2); and 4 more; short protein forms G1015E, G1285E, G1286E, G1313E, G1318E, G1326E, G1333E, G1334E.
Identifiers: ClinVar variation 3906400 (VCV003906400.1).